The following is an entry in ClinVar:

ClinVar aggregate classification (germline): Likely pathogenic (1 of 4 stars; one submission).

Conditions:
CHARGE syndrome (CHARGE). Also called: Hittner Hirsch Kreh syndrome; CHARGE ASSOCIATION--COLOBOMA, HEART ANOMALY, CHOANAL ATRESIA, RETARDATION, GENITAL AND EAR ANOMALIES; Coloboma, heart anomaly, choanal atresia, retardation, genital and ear anomalies; CHARGE association; Hall-Hittner syndrome. Identifiers: Orphanet 138, MedGen C0265354, MONDO:0008965.

Submission:

3billion
Classification: Likely pathogenic for CHD7-related CHARGE syndrome. Last evaluated: 2024-03-03. Review status: criteria provided, single submitter. Criteria: ACMG Guidelines, 2015. Collection method: clinical testing. Allele origin: germline. Affected: yes.
Comment: The variant is not observed in the gnomAD v2.1.1 dataset. Predicted Consequence/Location: Intron variant In silico tools predict the variant to alter splicing and produce an abnormal transcript [SpliceAI: 0.94 (>=0.2, moderate evidence for spliceogenicity)]. The variant has been previously reported as assumed (i.e. paternity and maternity not confirmed) de novo in at least one similarly affected unrelated individual (PMID: 23495722). The variant has been reported to be associated with CHD7 related disorder (PMID: 23495722). Therefore, this variant is classified as Likely pathogenic according to the recommendation of ACMG/AMP guideline.

Literature cited by the submitters: PubMed 23495722.

NM_017780.4(CHD7):c.8077-10T>A

Gene: CHD7 (chromodomain helicase DNA binding protein 7; plus strand). Cytogenetic location: 8q12.2.
Variant type: single nucleotide variant.
Coding change: c.8077-10T>A on transcript NM_017780.4 (MANE Select); 10 bases into the intron before coding-DNA position 8077, T replaced by A.
Molecular consequence: intron variant.
Genome position (GRCh38, 1-based): chr8:60,865,006, T>A. VCF-style: chr8-60865006-T-A. GRCh37 (hg19) VCF-style: chr8-61777565-T-A.
Other names: c.1930-10T>A (NM_001316690.1).
Identifiers: ClinVar variation 3775776 (VCV003775776.1).